The following is an entry in ClinVar:

ClinVar aggregate classification (germline): Uncertain significance (1 of 4 stars; one submission).

Submission:

GeneDx
Classification: Uncertain significance. Last evaluated: 2024-09-12. Review status: criteria provided, single submitter. Criteria: GeneDx Variant Classification Process June 2021. Collection method: clinical testing. Allele origin: germline. Affected: yes.
Comment: Not observed at significant frequency in large population cohorts (gnomAD); Nonsense variant predicted to result in protein truncation or nonsense mediated decay in a gene or region of a gene for which loss of function is not a well-established mechanism of disease; Has not been previously published as pathogenic or benign to our knowledge; Variants in candidate genes are classified as variants of uncertain significance in accordance with ACMG guidelines (PMID: 25741868)

NM_003458.4(BSN):c.6684C>A (p.Tyr2228Ter)

Gene: BSN (bassoon presynaptic cytomatrix protein; plus strand). Cytogenetic location: 3p21.31.
Variant type: single nucleotide variant.
Coding change: c.6684C>A on transcript NM_003458.4 (MANE Select); coding-DNA position 6684, C replaced by A.
Protein change: p.Tyr2228Ter; replaces tyrosine 2228 with a stop codon.
Molecular consequence: nonsense.
Genome position (GRCh38, 1-based): chr3:49,656,240, C>A. VCF-style: chr3-49656240-C-A. GRCh37 (hg19) VCF-style: chr3-49693673-C-A.
Other names: short protein forms Y2228*.
Identifiers: ClinVar variation 3900344 (VCV003900344.1).
Genomic context (GRCh38, chr3:49,656,240, plus strand): 5'-CACCACCCAGCCTGCCTCAGTCCTGCGGCCCATGGTGCGTGGTGGCATGTACAGGCCTTA[C>A]GCATCTGGTGGAATCACAGCCGTGCCACTCACCAGTCTGACACGTGTGCCCATGATTGCC-3'